The following is an entry in ClinVar:

NM_001378457.1(DMXL2):c.7809-3T>C

Gene: DMXL2 (Dmx like 2; minus strand). Cytogenetic location: 15q21.2.
Variant type: single nucleotide variant.
Coding change: c.7809-3T>C on transcript NM_001378457.1 (MANE Select); 3 bases into the intron before coding-DNA position 7809, T replaced by C.
Molecular consequence: intron variant.
Genome position (GRCh38, 1-based): chr15:51,463,499, A>G on the plus strand (T>C on the coding strand, the complement: DMXL2 is on the minus strand). VCF-style: chr15-51463499-A-G. GRCh37 (hg19) VCF-style: chr15-51755696-A-G.
Other names: c.5787-3T>C (NM_001378460.1); c.5898-3T>C (NM_001174117.3); c.7806-3T>C (NM_015263.5, NM_001378458.1, NM_001378462.1); c.7521-3T>C (NM_001378459.1); c.7809-3T>C (NM_001174116.3, NM_001378461.1); c.7566-3T>C (NM_001378464.1); c.7607-3T>C (NM_001378463.1).
Identifiers: ClinVar variation 2002717 (VCV002002717.4), dbSNP rs2543052838, ClinGen allele CA2580089743.
Genomic context (GRCh38, chr15:51,463,499, plus strand): 5'-TTGTTTAACAAGGAAATGCCAAAGTCGTTTGACTGGAAATGCAGAAGAATCCCGGGACCT[A>G]TTAAAAAAAATTAACATATCACACTACTTTAGTCTATAGAAAATATGTTTATATTTGCAG-3'

ClinVar aggregate classification (germline): Uncertain significance (1 of 4 stars; one submission).

Allele frequency attached by ClinVar (database versions not stated): gnomAD exomes below 0.00001.
gnomAD v4.1: 1 of 1,512,386 alleles (0.000066%); highest among the groups gnomAD compares: Non-Finnish European, 0.00009%; no homozygotes.

Submission:

Labcorp Genetics (formerly Invitae), Labcorp
Classification: Uncertain significance. Last evaluated: 2022-06-14. Review status: criteria provided, single submitter. Criteria: Invitae Variant Classification Sherloc (09022015). Collection method: clinical testing. Allele origin: germline.
Comment: In summary, the available evidence is currently insufficient to determine the role of this variant in disease. Therefore, it has been classified as a Variant of Uncertain Significance. Variants that disrupt the consensus splice site are a relatively common cause of aberrant splicing (PMID: 17576681, 9536098). Algorithms developed to predict the effect of sequence changes on RNA splicing suggest that this variant is not likely to affect RNA splicing. This variant has not been reported in the literature in individuals affected with DMXL2-related conditions. This variant is not present in population databases (gnomAD no frequency). This sequence change falls in intron 32 of the DMXL2 gene. It does not directly change the encoded amino acid sequence of the DMXL2 protein. It affects a nucleotide within the consensus splice site.

Literature cited by the submitters: PubMed 17576681; PubMed 9536098.